The following is an entry in ClinVar:

ClinVar aggregate classification (germline): Likely benign. Review status: criteria provided, multiple submitters, no conflicts (2 of 4 stars). 3 submissions from 3 submitters: Likely benign (2). 1 of the submissions does not count toward it. Last evaluated 2026-01-21.

Conditions:
BBS1-related disorder. Also called: BBS1-related condition.
Bardet-Biedl syndrome (BBS). Identifiers: Orphanet 110, MedGen C0752166, MONDO:0015229.

Allele frequency attached by ClinVar (database versions not stated): gnomAD exomes 0.00003 and 0.00002; ExAC 0.00004; TOPMed 0.00002; gnomAD 0.00001.
gnomAD v4.1: 38 of 1,605,258 alleles (0.0024%); highest among the groups gnomAD compares: Non-Finnish European, 0.003%; no homozygotes.

Submissions (3):

Labcorp Genetics (formerly Invitae), Labcorp
Classification: Likely benign for Bardet-Biedl syndrome. Last evaluated: 2026-01-21. Review status: criteria provided, single submitter. Criteria: Invitae Variant Classification Sherloc (09022015). Collection method: clinical testing. Allele origin: germline.

Blueprint Genetics
Classification: Likely benign. Last evaluated: 2024-07-10. Review status: criteria provided, single submitter. Criteria: ACMG Guidelines, 2015. Collection method: clinical testing. Allele origin: germline.

PreventionGenetics, part of Exact Sciences
Classification: Likely benign for BBS1-related condition. Last evaluated: 2024-04-10. Review status: no assertion criteria provided. Collection method: clinical testing. Allele origin: germline. Not counted in ClinVar's aggregate classification.
Comment: This variant is classified as likely benign based on ACMG/AMP sequence variant interpretation guidelines (Richards et al. 2015 PMID: 25741868, with internal and published modifications).

NM_024649.5(BBS1):c.1440G>A (p.Thr480=)

Genes: ZDHHC24 (zDHHC palmitoyltransferase 24; minus strand), BBS1 (Bardet-Biedl syndrome 1; plus strand). Cytogenetic location: 11q13.2.
Variant type: single nucleotide variant.
Coding change: c.1440G>A on transcript NM_024649.5 (MANE Select); coding-DNA position 1440, G replaced by A.
Protein change: p.Thr480=; no amino-acid change (threonine 480 retained).
Molecular consequence: synonymous variant. On other transcripts: intron variant (1).
Genome position (GRCh38, 1-based): chr11:66,529,919, G>A. VCF-style: chr11-66529919-G-A. GRCh37 (hg19) VCF-style: chr11-66297390-G-A.
Other names: c.560-431C>T (NM_001348571.2).
Identifiers: ClinVar variation 1100282 (VCV001100282.11), dbSNP rs751466006, ClinGen allele CA6123767.